The following is an entry in ClinVar:

ClinVar aggregate classification (germline): Likely benign (1 of 4 stars; one submission).

gnomAD v4.1: 1,113 of 1,608,932 alleles (0.069%); highest among the groups gnomAD compares: Middle Eastern, 0.099%; 7 homozygotes.

Submission:

CeGaT Center for Human Genetics Tuebingen
Classification: Likely benign. Last evaluated: 2026-03-01. Review status: criteria provided, single submitter. Criteria: CeGaT Center For Human Genetics Tuebingen Variant Classification Criteria Version 2. Collection method: clinical testing. Allele origin: germline. Affected: yes. Observed: 1 variant allele.
Comment: PI4KA: BP4, BP7

NM_058004.4(PI4KA):c.2337A>C (p.Arg779=)

Gene: PI4KA (phosphatidylinositol 4-kinase alpha; minus strand). Cytogenetic location: 22q11.21.
Variant type: single nucleotide variant.
Coding change: c.2337A>C on transcript NM_058004.4 (MANE Select); coding-DNA position 2337, A replaced by C.
Protein change: p.Arg779=; no amino-acid change (arginine 779 retained).
Molecular consequence: synonymous variant.
Genome position (GRCh38, 1-based): chr22:20,765,685, T>G on the plus strand (A>C on the coding strand, the complement: PI4KA is on the minus strand). VCF-style: chr22-20765685-T-G. GRCh37 (hg19) VCF-style: chr22-21119973-T-G.
Other names: c.2337A>C, p.Arg779= (NM_001362862.2); c.2271A>C, p.Arg757= (NM_001362863.2).
Identifiers: ClinVar variation 4820699 (VCV004820699.4).